The following is an entry in ClinVar:

NM_007294.4(BRCA1):c.5549delinsCA (p.Leu1850fs)

Gene: BRCA1 (BRCA1 DNA repair associated; minus strand). Cytogenetic location: 17q21.31.
Variant type: Indel.
Coding change: c.5549delinsCA on transcript NM_007294.4 (MANE Select); coding-DNA position 5549, T replaced by CA.
Protein change: p.Leu1850fs; shifts the reading frame from leucine 1850.
Molecular consequence: frameshift variant. On other transcripts: 3 prime UTR variant (17).
Genome position (GRCh38, 1-based): chr17:43,045,721, A replaced by TG on the plus strand (T replaced by CA on the coding strand, the reverse complement: BRCA1 is on the minus strand). VCF-style: chr17-43045721-A-TG. GRCh37 (hg19) VCF-style: chr17-41197738-A-TG.
Other names: c.5279delinsCA, p.Leu1760fs (NM_001407934.1, NM_001407935.1, NM_001407936.1); c.*63delinsCA (NM_001407937.1, NM_001407938.1, NM_001407939.1 and 14 more transcripts); c.5216delinsCA, p.Leu1739fs (NM_001407946.1, NM_001407947.1, NM_001407948.1 and 1 more transcripts); c.5213delinsCA, p.Leu1738fs (NM_001407950.1, NM_001407951.1, NM_001407952.1 and 3 more transcripts); c.5210delinsCA, p.Leu1737fs (NM_001407956.1, NM_001407957.1, NM_001407958.1); c.5168delinsCA, p.Leu1723fs (NM_001407959.1); c.5165delinsCA, p.Leu1722fs (NM_001407960.1, NM_001407962.1); c.5162delinsCA, p.Leu1721fs (NM_001407963.1); and 75 more; short protein forms L619fs, L620fs, L633fs, L634fs, L637fs, L638fs, L657fs, L658fs.
Identifiers: ClinVar variation 3226174 (VCV003226174.1), dbSNP rs2545909115, ClinGen allele CA2825002511.

ClinVar aggregate classification (germline): Pathogenic (1 of 4 stars; one submission).

Conditions:
Hereditary cancer-predisposing syndrome. Also called: Neoplastic Syndromes, Hereditary; Tumor predisposition; Hereditary neoplastic syndrome; Hereditary Cancer Syndrome. Identifiers: Orphanet 140162, MedGen C0027672, MeSH D009386, MONDO:0015356.

Submission:

Ambry Genetics
Classification: Pathogenic for Hereditary cancer-predisposing syndrome. Last evaluated: 2023-12-13. Review status: criteria provided, single submitter. Criteria: Ambry Variant Classification Scheme 2023. Collection method: clinical testing. Allele origin: germline.
Comment: The c.5549delTinsCA pathogenic mutation, located in coding exon 22 of the BRCA1 gene, results from the deletion of one nucleotide and insertion of two nucleotides causing a translational frameshift with a predicted alternate stop codon (p.L1850Pfs*30). This alteration occurs at the 3' terminus of theBRCA1 gene, is not expected to trigger nonsense-mediated mRNAdecay and results in the elongation of the protein by 15 amino acids. This frameshift impacts the last 14amino acids of the native protein. However, frameshifts are typically deleterious in nature and the impacted region is critical for protein function (Ambry internal data). Based on the supporting evidence, this alteration is interpreted as a disease-causing mutation.